The following is an entry in ClinVar:

ClinVar aggregate classification (germline): Conflicting classifications of pathogenicity. Review status: criteria provided, conflicting classifications (1 of 4 stars). 3 submissions from 3 submitters: Uncertain significance (1); Likely benign (1). 1 of the submissions does not count toward it. Last evaluated 2023-03-07.

Conditions:
Familial cancer of breast. Also called: Hereditary breast cancer; hereditary breast carcinoma; BREAST CANCER, FAMILIAL. Identifiers: Orphanet 227535, MedGen C0346153, MONDO:0016419, OMIM 114480. Disease mechanism: loss of function.

Submissions (3):

Myriad Genetics, Inc.
Classification: Uncertain significance for Familial cancer of breast. Last evaluated: 2023-03-07. Review status: criteria provided, single submitter. Criteria: Myriad Autosomal Dominant, Autosomal Recessive and X-Linked Classification Criteria (2023). Collection method: clinical testing. Allele origin: unknown.
Comment: This variant is classified as a variant of uncertain significance as there is insufficient evidence to determine its impact on protein function and/or cancer risk.

Labcorp Genetics (formerly Invitae), Labcorp
Classification: Likely benign for Familial cancer of breast. Last evaluated: 2018-02-08. Review status: criteria provided, single submitter. Criteria: Invitae Variant Classification Sherloc (09022015). Collection method: clinical testing. Allele origin: germline.

Counsyl
Classification: Uncertain significance for Familial cancer of breast. Last evaluated: 2018-05-02. Review status: no assertion criteria provided. Collection method: clinical testing. Allele origin: unknown. Not counted in ClinVar's aggregate classification.

NM_007194.4(CHEK2):c.847-6T>G

Gene: CHEK2 (checkpoint kinase 2; minus strand). Cytogenetic location: 22q12.1.
Variant type: single nucleotide variant.
Coding change: c.847-6T>G on transcript NM_007194.4 (MANE Select); 6 bases into the intron before coding-DNA position 847, T replaced by G.
Molecular consequence: intron variant.
Genome position (GRCh38, 1-based): chr22:28,703,572, A>C on the plus strand (T>G on the coding strand, the complement: CHEK2 is on the minus strand). VCF-style: chr22-28703572-A-C. GRCh37 (hg19) VCF-style: chr22-29099560-A-C.
Other names: c.184-6T>G (NM_001257387.3, NM_001437942.1); c.940-6T>G (NM_001438295.1, NM_001438293.1); c.976-6T>G (NM_001438294.1, NM_001005735.3); c.646-6T>G (NM_001349956.3); c.847-6T>G (NM_145862.3).
Identifiers: ClinVar variation 548903 (VCV000548903.13), dbSNP rs1555917050, ClinGen allele CA658824095.
Genomic context (GRCh38, chr22:28,703,572, plus strand): 5'-AAACAATATAATAATCTTCTGCATCAAAAAAGTTTTTAATCTTGATGATGCAAGGCTAAG[A>C]AGAGGGGGAGAAAAAAGGGAAAGTAGTGAGAAACTCCCAAGAGGAAAACCACAAGAGCTT-3'